The following is an entry in ClinVar:

ClinVar aggregate classification (germline): Uncertain significance. Review status: criteria provided, multiple submitters, no conflicts (2 of 4 stars). 2 submissions from 2 submitters: Uncertain significance (2). Last evaluated 2025-01-14.

Conditions:
Familial sleep-related hypermotor epilepsy. Also called: Autosomal Dominant Sleep-Related Hypermotor (Hyperkinetic) Epilepsy. Identifiers: Orphanet 98784, MedGen C3696898, MONDO:0000030.
Inborn genetic diseases. Identifiers: MedGen C0950123, MeSH D030342.

Allele frequency attached by ClinVar (database versions not stated): gnomAD 0.00001; gnomAD exomes 0.00001; ExAC 0.00002.
gnomAD v4.1: 5 of 1,613,110 alleles (0.00031%); highest among the groups gnomAD compares: Admixed American, 0.0083%; no homozygotes.

Submissions (2):

Ambry Genetics
Classification: Uncertain significance for Inborn genetic diseases. Last evaluated: 2025-01-14. Review status: criteria provided, single submitter. Criteria: Ambry Variant Classification Scheme 2023. Collection method: clinical testing. Allele origin: germline.

Labcorp Genetics (formerly Invitae), Labcorp
Classification: Uncertain significance. Last evaluated: 2024-11-11. Review status: criteria provided, single submitter. Criteria: Invitae Variant Classification Sherloc (09022015). Collection method: clinical testing. Allele origin: germline.
Comment: This sequence change replaces methionine, which is neutral and non-polar, with valine, which is neutral and non-polar, at codon 314 of the CHRNA4 protein (p.Met314Val). This variant is present in population databases (rs773225799, gnomAD 0.009%). This variant has not been reported in the literature in individuals affected with CHRNA4-related conditions. ClinVar contains an entry for this variant (Variation ID: 954339). Invitae Evidence Modeling of protein sequence and biophysical properties (such as structural, functional, and spatial information, amino acid conservation, physicochemical variation, residue mobility, and thermodynamic stability) indicates that this missense variant is expected to disrupt CHRNA4 protein function with a positive predictive value of 80%. In summary, the available evidence is currently insufficient to determine the role of this variant in disease. Therefore, it has been classified as a Variant of Uncertain Significance.

NM_000744.7(CHRNA4):c.940A>G (p.Met314Val)

Gene: CHRNA4 (cholinergic receptor nicotinic alpha 4 subunit; minus strand). Cytogenetic location: 20q13.33.
Variant type: single nucleotide variant.
Coding change: c.940A>G on transcript NM_000744.7 (MANE Select); coding-DNA position 940, A replaced by G.
Protein change: p.Met314Val; replaces methionine 314 with valine.
Molecular consequence: missense variant. On other transcripts: non-coding transcript variant (1).
Genome position (GRCh38, 1-based): chr20:63,350,471, T>C on the plus strand (A>G on the coding strand, the complement: CHRNA4 is on the minus strand). VCF-style: chr20-63350471-T-C. GRCh37 (hg19) VCF-style: chr20-61981823-T-C.
Other names: c.412A>G, p.Met138Val (NM_001256573.2); short protein forms M138V, M314V.
Identifiers: ClinVar variation 954339 (VCV000954339.12), dbSNP rs773225799, ClinGen allele CA9957698.